The following is an entry in ClinVar:

NM_001492.6(GDF1):c.325+20G>A

Genes: CERS1 (ceramide synthase 1; minus strand), GDF1 (growth differentiation factor 1; minus strand). Cytogenetic location: 19p13.11.
Variant type: single nucleotide variant.
Coding change: c.325+20G>A on transcript NM_001492.6 (MANE Select); 20 bases into the intron after coding-DNA position 325, G replaced by A.
Molecular consequence: intron variant. On other transcripts: 3 prime UTR variant (1).
Genome position (GRCh38, 1-based): chr19:18,869,963, C>T on the plus strand (G>A on the coding strand, the complement: GDF1 is on the minus strand). VCF-style: chr19-18869963-C-T. GRCh37 (hg19) VCF-style: chr19-18980772-C-T.
Other names: c.*614G>A (NM_001387440.1); c.*594+20G>A (NM_021267.5); c.325+20G>A (NM_001387438.1).
Identifiers: ClinVar variation 137457 (VCV000137457.11), dbSNP rs146219830, ClinGen allele CA291050.

ClinVar aggregate classification (germline): Benign. Review status: criteria provided, multiple submitters, no conflicts (2 of 4 stars). 4 submissions from 4 submitters: Benign (4). Last evaluated 2026-01-21.

Allele frequency attached by ClinVar (database versions not stated): 1000 Genomes Project 0.00180; 1000 Genomes Project 30x 0.00250; ESP Exome Variant Server 0.00332; gnomAD 0.00363 and 0.00372; TOPMed 0.00379; gnomAD exomes 0.00423 and 0.00554; ExAC 0.01060.
gnomAD v4.1: 8,374 of 1,569,272 alleles (0.53%); highest among the groups gnomAD compares: Non-Finnish European, 0.61%; 33 homozygotes.

Submissions (4):

Labcorp Genetics (formerly Invitae), Labcorp
Classification: Benign. Last evaluated: 2026-01-21. Review status: criteria provided, single submitter. Criteria: Invitae Variant Classification Sherloc (09022015). Collection method: clinical testing. Allele origin: germline.

GeneDx
Classification: Benign. Last evaluated: 2013-08-06. Review status: criteria provided, single submitter. Criteria: GeneDx Variant Classification (06012015). Collection method: clinical testing. Allele origin: germline. Affected: yes.
Comment: This variant is considered likely benign or benign based on one or more of the following criteria: it is a conservative change, it occurs at a poorly conserved position in the protein, it is predicted to be benign by multiple in silico algorithms, and/or has population frequency not consistent with disease.

Breakthrough Genomics
Classification: Benign. Review status: criteria provided, single submitter. Criteria: ACMG Guidelines, 2015. Collection method: not provided. Allele origin: germline. Inheritance: Autosomal recessive inheritance. Affected: yes.

PreventionGenetics, part of Exact Sciences
Classification: Benign. Review status: criteria provided, single submitter. Criteria: ACMG Guidelines, 2015. Collection method: clinical testing. Allele origin: germline.